The following is an entry in ClinVar:

NM_138295.5(PKD1L1):c.2514T>G (p.Thr838=)

Gene: PKD1L1 (polycystin 1 like 1, transient receptor potential channel interacting; minus strand). Cytogenetic location: 7p12.3.
Variant type: single nucleotide variant.
Coding change: c.2514T>G on transcript NM_138295.5 (MANE Select); coding-DNA position 2514, T replaced by G.
Protein change: p.Thr838=; no amino-acid change (threonine 838 retained).
Molecular consequence: synonymous variant.
Genome position (GRCh38, 1-based): chr7:47,890,703, A>C on the plus strand (T>G on the coding strand, the complement: PKD1L1 is on the minus strand). VCF-style: chr7-47890703-A-C. GRCh37 (hg19) VCF-style: chr7-47930301-A-C.
Other names: c.2514T>G (NM_138295.3).
Identifiers: ClinVar variation 2061165 (VCV002061165.6), dbSNP rs149933672, ClinGen allele CA4253707.

ClinVar aggregate classification (germline): Likely benign. Review status: criteria provided, single submitter (1 of 4 stars). 2 submissions from 2 submitters: Likely benign (1). 1 of the submissions does not count toward it. Last evaluated 2025-05-25.

Conditions:
PKD1L1-related disorder. Also called: PKD1L1-related condition.

Allele frequency attached by ClinVar (database versions not stated): gnomAD exomes 0.00003; ExAC 0.00013; 1000 Genomes Project 30x 0.00016; 1000 Genomes Project 0.00020; gnomAD 0.00041; TOPMed 0.00042; ESP Exome Variant Server 0.00054.
gnomAD v4.1: 117 of 1,613,624 alleles (0.0073%); highest among the groups gnomAD compares: African/African-American, 0.13%; no homozygotes.

Submissions (2):

Labcorp Genetics (formerly Invitae), Labcorp
Classification: Likely benign. Last evaluated: 2025-05-25. Review status: criteria provided, single submitter. Criteria: Invitae Variant Classification Sherloc (09022015). Collection method: clinical testing. Allele origin: germline.

PreventionGenetics, part of Exact Sciences
Classification: Likely benign for PKD1L1-related condition. Last evaluated: 2022-03-22. Review status: no assertion criteria provided. Collection method: clinical testing. Allele origin: germline. Not counted in ClinVar's aggregate classification.
Comment: This variant is classified as likely benign based on ACMG/AMP sequence variant interpretation guidelines (Richards et al. 2015 PMID: 25741868, with internal and published modifications).